The following is an entry in ClinVar:

ClinVar aggregate classification (germline): Conflicting classifications of pathogenicity. Review status: criteria provided, conflicting classifications (1 of 4 stars). 2 submissions from 2 submitters: Uncertain significance (1); Likely benign (1). Last evaluated 2025-12-03.

Conditions:
Inborn genetic diseases. Identifiers: MedGen C0950123, MeSH D030342.

Submissions (2):

Labcorp Genetics (formerly Invitae), Labcorp
Classification: Uncertain significance. Last evaluated: 2025-12-03. Review status: criteria provided, single submitter. Criteria: Invitae Variant Classification Sherloc (09022015). Collection method: clinical testing. Allele origin: germline.
Comment: This variant, c.4222_4224del, results in the deletion of 1 amino acid(s) of the KMT2E protein (p.Asn1408del), but otherwise preserves the integrity of the reading frame. This variant is present in population databases (rs751278964, gnomAD 0.04%), and has an allele count higher than expected for a pathogenic variant. This variant has not been reported in the literature in individuals affected with KMT2E-related conditions. Experimental studies and prediction algorithms are not available or were not evaluated, and the functional significance of this variant is currently unknown. In summary, the available evidence is currently insufficient to determine the role of this variant in disease. Therefore, it has been classified as a Variant of Uncertain Significance.

Ambry Genetics
Classification: Likely benign for Inborn genetic diseases. Last evaluated: 2022-03-04. Review status: criteria provided, single submitter. Criteria: Ambry Variant Classification Scheme 2023. Collection method: clinical testing. Allele origin: germline.

NM_182931.3(KMT2E):c.4219AAC[1] (p.Asn1408del)

Gene: KMT2E (lysine methyltransferase 2E (inactive); plus strand). Cytogenetic location: 7q22.3.
Variant type: Microsatellite.
Coding change: c.4219AAC[1] on transcript NM_182931.3 (MANE Select); one copy of the 3-base unit AAC starting at c.4219; the reference has two copies in a row; one copy, 3 bases deleted.
Protein change: p.Asn1408del; deletes asparagine 1408.
Molecular consequence: inframe deletion. On other transcripts: inframe indel (1).
Genome position (GRCh38, 1-based): chr7:105,111,978-105,111,980, AAC deleted; deleting any 3 consecutive bases within chr7:105,111,975-105,111,980 gives the same sequence; the position shown is the placement nearest the transcript's 3' end. VCF-style (leftmost placement, unchanged base first): chr7-105111974-TAAC-T. GRCh37 (hg19) VCF-style: chr7-104752421-TAAC-T.
Other names: c.4093_4095AAC[1], p.Asn1366del (NM_001410908.1); c.4219AAC[1], p.Asn1408del (NM_018682.4); short protein forms N1366del, N1408del.
Identifiers: ClinVar variation 2078441 (VCV002078441.5), dbSNP rs751278964, ClinGen allele CA4424704.